The following is an entry in ClinVar:

ClinVar aggregate classification (germline): Uncertain significance. Review status: criteria provided, multiple submitters, no conflicts (2 of 4 stars). 2 submissions from 2 submitters: Uncertain significance (2). Last evaluated 2025-12-29.

Conditions:
Nephrotic syndrome 16. Identifiers: MedGen C4540453, MONDO:0033280, OMIM 617783.
Wooly hair-palmoplantar keratoderma syndrome. Also called: Woolly hair-palmoplantar keratoderma syndrome; Palmoplantar keratoderma and woolly hair. Identifiers: Orphanet 420686, MedGen C4015202, MONDO:0014492, OMIM 616099.

Allele frequency attached by ClinVar (database versions not stated): gnomAD 0.00001 and 0.00008; TOPMed 0.00002; gnomAD exomes 0.00003 and 0.00007; ExAC 0.00004.
gnomAD v4.1: 70 of 1,603,122 alleles (0.0044%); highest among the groups gnomAD compares: South Asian, 0.049%; no homozygotes.

Submissions (2):

Labcorp Genetics (formerly Invitae), Labcorp
Classification: Uncertain significance. Last evaluated: 2025-12-29. Review status: criteria provided, single submitter. Criteria: Invitae Variant Classification Sherloc (09022015). Collection method: clinical testing. Allele origin: germline.
Comment: This sequence change replaces proline, which is neutral and non-polar, with serine, which is neutral and polar, at codon 457 of the KANK2 protein (p.Pro457Ser). This variant is present in population databases (rs376385754, gnomAD 0.03%). This variant has not been reported in the literature in individuals affected with KANK2-related conditions. ClinVar contains an entry for this variant (Variation ID: 1356217). An algorithm developed to predict the effect of missense changes on protein structure and function outputs the following: PolyPhen-2: "Benign". The serine amino acid residue is found in multiple mammalian species, which suggests that this missense change does not adversely affect protein function. In summary, the available evidence is currently insufficient to determine the role of this variant in disease. Therefore, it has been classified as a Variant of Uncertain Significance.

Fulgent Genetics
Classification: Uncertain significance for Wooly hair-palmoplantar keratoderma syndrome; Nephrotic syndrome 16. Last evaluated: 2021-08-11. Review status: criteria provided, single submitter. Criteria: ACMG Guidelines, 2015. Collection method: clinical testing. Allele origin: unknown.

NM_001136191.3(KANK2):c.1369C>T (p.Pro457Ser)

Gene: KANK2 (KN motif and ankyrin repeat domains 2; minus strand). Cytogenetic location: 19p13.2.
Variant type: single nucleotide variant.
Coding change: c.1369C>T on transcript NM_001136191.3 (MANE Select); coding-DNA position 1369, C replaced by T.
Protein change: p.Pro457Ser; replaces proline 457 with serine.
Molecular consequence: missense variant.
Genome position (GRCh38, 1-based): chr19:11,178,601, G>A on the plus strand (C>T on the coding strand, the complement: KANK2 is on the minus strand). VCF-style: chr19-11178601-G-A. GRCh37 (hg19) VCF-style: chr19-11289277-G-A.
Other names: c.1369C>T, p.Pro457Ser (NM_001329451.2, NM_001379548.1, NM_001379549.1 and 15 more transcripts); short protein forms P457S.
Identifiers: ClinVar variation 1356217 (VCV001356217.7), dbSNP rs376385754, ClinGen allele CA9205716.
Genomic context (GRCh38, chr19:11,178,601, plus strand): 5'-CCCACCACTTACCGGTGCCCCCGGCCTCCTCGGACTCTTGGGAGGCTGCTTGCCTGGTGG[G>A]CTCCCTGTGGGTGGGCTCCTGGGTGGGCACTCGGCCTGTGCTCTTCTCAGGCTGTGTAAG-3'
Protein context (NP_001129663.1, residues 447-467): VPTQEPTHRE[Pro457Ser]TRQAASQESE